The following is an entry in ClinVar:

NM_000170.3(GLDC):c.538C>T (p.Gln180Ter)

Gene: GLDC (glycine decarboxylase; minus strand). Cytogenetic location: 9p24.1.
Variant type: single nucleotide variant.
Coding change: c.538C>T on transcript NM_000170.3 (MANE Select); coding-DNA position 538, C replaced by T.
Protein change: p.Gln180Ter; replaces glutamine 180 with a stop codon.
Molecular consequence: nonsense.
Genome position (GRCh38, 1-based): chr9:6,610,289, G>A on the plus strand (C>T on the coding strand, the complement: GLDC is on the minus strand). VCF-style: chr9-6610289-G-A. GRCh37 (hg19) VCF-style: chr9-6610289-G-A.
Other names: short protein forms Q180*.
Identifiers: ClinVar variation 650449 (VCV000650449.10), dbSNP rs762989914, ClinGen allele CA4981097.
Genomic context (GRCh38, chr9:6,610,289, plus strand): 5'-CCTCATCCAGCAGGGATGCATTGGCCATGTCCAGGCCTGTGATGTCACACACCATGGTCT[G>A]GTAGTTGAGTAAACTCTCCAGCCTCCCCTGAGACACCTCAGGCTGGTATGGAGTATACTG-3'

ClinVar aggregate classification (germline): Pathogenic (1 of 4 stars; one submission).

Conditions:
Glycine encephalopathy. Also called: Nonketotic hyperglycinemia; Non-ketotic hyperglycinemia. Identifiers: Orphanet 407, MedGen C0751748, MONDO:0011612, HP:0008288.

Allele frequency attached by ClinVar (database versions not stated): ExAC 0.00001; gnomAD exomes 0.00001.
gnomAD v4.1: 10 of 1,613,714 alleles (0.00062%); highest among the groups gnomAD compares: Admixed American, 0.0033%; no homozygotes.

Submission:

Labcorp Genetics (formerly Invitae), Labcorp
Classification: Pathogenic for Glycine encephalopathy. Last evaluated: 2018-10-09. Review status: criteria provided, single submitter. Criteria: Invitae Variant Classification Sherloc (09022015). Collection method: clinical testing. Allele origin: germline.
Comment: This sequence change creates a premature translational stop signal (p.Gln180*) in the GLDC gene. It is expected to result in an absent or disrupted protein product. This variant is present in population databases (rs762989914, ExAC 0.002%). This variant has been observed in an individual affected with glycine encephalopathy (PMID: 26179960). Loss-of-function variants in GLDC are known to be pathogenic (PMID: 16601880). For these reasons, this variant has been classified as Pathogenic.

Literature cited by the submitters: PubMed 26179960; PubMed 16601880.